The following is an entry in ClinVar:

ClinVar aggregate classification (germline): Uncertain significance. Review status: criteria provided, multiple submitters, no conflicts (2 of 4 stars). 2 submissions from 2 submitters: Uncertain significance (2). Last evaluated 2025-12-26.

Conditions:
Charcot-Marie-Tooth disease axonal type 2L. Also called: CHARCOT-MARIE-TOOTH DISEASE, AXONAL, AUTOSOMAL DOMINANT, TYPE 2L; CHARCOT-MARIE-TOOTH NEUROPATHY, AXONAL, TYPE 2L; Charcot-Marie-Tooth Neuropathy Type 2L. Identifiers: Orphanet 99945, MedGen C1837552, MONDO:0012096, OMIM 608673.

Allele frequency attached by ClinVar (database versions not stated): TOPMed below 0.00001; gnomAD 0.00001.

Submissions (2):

Women's Health and Genetics/Laboratory Corporation of America, LabCorp
Classification: Uncertain significance. Last evaluated: 2025-12-26. Review status: criteria provided, single submitter. Criteria: LabCorp Variant Classification Summary - May 2015. Collection method: clinical testing. Allele origin: germline.
Comment: Variant summary: HSPB8 c.95A>C (p.Asp32Ala) results in a non-conservative amino acid change in the encoded protein sequence. Algorithms developed to predict the effect of missense changes on protein structure and function all suggest that this variant is likely to be disruptive. The variant was absent in 251468 control chromosomes. The available data on variant occurrences in the general population are insufficient to allow any conclusion about variant significance. To our knowledge, no occurrence of c.95A>C in individuals affected with HSPB8-related conditions and no experimental evidence demonstrating its impact on protein function have been reported. ClinVar contains an entry for this variant (Variation ID: 2038841). Based on the evidence outlined above, the variant was classified as uncertain significance.

Labcorp Genetics (formerly Invitae), Labcorp
Classification: Uncertain significance for Charcot-Marie-Tooth disease axonal type 2L. Last evaluated: 2022-02-01. Review status: criteria provided, single submitter. Criteria: Invitae Variant Classification Sherloc (09022015). Collection method: clinical testing. Allele origin: germline.
Comment: This sequence change replaces aspartic acid, which is acidic and polar, with alanine, which is neutral and non-polar, at codon 32 of the HSPB8 protein (p.Asp32Ala). This variant is not present in population databases (gnomAD no frequency). This variant has not been reported in the literature in individuals affected with HSPB8-related conditions. Algorithms developed to predict the effect of missense changes on protein structure and function are either unavailable or do not agree on the potential impact of this missense change (SIFT: "Deleterious"; PolyPhen-2: "Probably Damaging"; Align-GVGD: "Class C0"). In summary, the available evidence is currently insufficient to determine the role of this variant in disease. Therefore, it has been classified as a Variant of Uncertain Significance.

NM_014365.3(HSPB8):c.95A>C (p.Asp32Ala)

Gene: HSPB8 (heat shock protein family B (small) member 8; plus strand). Cytogenetic location: 12q24.23.
Variant type: single nucleotide variant.
Coding change: c.95A>C on transcript NM_014365.3 (MANE Select); coding-DNA position 95, A replaced by C.
Protein change: p.Asp32Ala; replaces aspartic acid 32 with alanine.
Molecular consequence: missense variant.
Genome position (GRCh38, 1-based): chr12:119,179,407, A>C. VCF-style: chr12-119179407-A-C. GRCh37 (hg19) VCF-style: chr12-119617212-A-C.
Other names: short protein forms D32A.
Identifiers: ClinVar variation 2038841 (VCV002038841.5), dbSNP rs907098896, ClinGen allele CA244334676.